The following is an entry in ClinVar:

NM_001035.3(RYR2):c.12963T>C (p.Gly4321=)

Genes: RYR2 (ryanodine receptor 2; plus strand), LOC126806068 (BRD4-independent group 4 enhancer GRCh37_chr1:237947411-237948610; plus strand). Cytogenetic location: 1q43.
Variant type: single nucleotide variant.
Coding change: c.12963T>C on transcript NM_001035.3 (MANE Select); coding-DNA position 12963, T replaced by C.
Protein change: p.Gly4321=; no amino-acid change (glycine 4321 retained).
Molecular consequence: synonymous variant.
Genome position (GRCh38, 1-based): chr1:237,784,675, T>C. VCF-style: chr1-237784675-T-C. GRCh37 (hg19) VCF-style: chr1-237947975-T-C.
Identifiers: ClinVar variation 3073032 (VCV003073032.3), dbSNP rs1396964181, ClinGen allele CA424032507.

ClinVar aggregate classification (germline): Likely benign. Review status: criteria provided, multiple submitters, no conflicts (2 of 4 stars). 2 submissions from 2 submitters: Likely benign (2). Last evaluated 2024-10-22.

Conditions:
Catecholaminergic polymorphic ventricular tachycardia 1. Also called: VENTRICULAR TACHYCARDIA, CATECHOLAMINERGIC POLYMORPHIC, 1, WITH OR WITHOUT ATRIAL DYSFUNCTION AND/OR DILATED CARDIOMYOPATHY; RYR2-Related Catecholaminergic Polymorphic Ventricular Tachycardia; VENTRICULAR TACHYCARDIA, STRESS-INDUCED POLYMORPHIC 1. Identifiers: Orphanet 3286, MedGen C1631597, MONDO:0011484, OMIM 604772.
Catecholaminergic polymorphic ventricular tachycardia (CVPT). Also called: Catecholamine-induced polymorphic ventricular tachycardia. Identifiers: Orphanet 3286, MedGen C5574922, MONDO:0017990.

Allele frequency attached by ClinVar (database versions not stated): gnomAD exomes below 0.00001; gnomAD 0.00001.
gnomAD v4.1: 5 of 1,611,660 alleles (0.00031%); highest among the groups gnomAD compares: African/African-American, 0.004%; no homozygotes.

Submissions (2):

Labcorp Genetics (formerly Invitae), Labcorp
Classification: Likely benign for Catecholaminergic polymorphic ventricular tachycardia 1. Last evaluated: 2024-10-22. Review status: criteria provided, single submitter. Criteria: Invitae Variant Classification Sherloc (09022015). Collection method: clinical testing. Allele origin: germline.

All of Us Research Program, National Institutes of Health
Classification: Likely benign for Catecholaminergic polymorphic ventricular tachycardia. Last evaluated: 2023-11-30. Review status: criteria provided, single submitter. Criteria: ACMG Guidelines, 2015. Collection method: clinical testing. Allele origin: germline. Inheritance: Autosomal dominant inheritance. Observed: 2 variant alleles, 2 heterozygotes.
Comment: This study involves interpretation of variants in research participants for the purpose of population health screening. Participant phenotype was not available at the time of variant classification. Additional details can be found in publication PMID: 35346344, PMCID: PMC8962531